The following is an entry in ClinVar:

ClinVar aggregate classification (germline): Uncertain significance (1 of 4 stars; one submission).

Submission:

GeneDx
Classification: Uncertain significance. Last evaluated: 2024-02-28. Review status: criteria provided, single submitter. Criteria: GeneDx Variant Classification Process June 2021. Collection method: clinical testing. Allele origin: germline. Affected: yes.
Comment: Not observed at significant frequency in large population cohorts (gnomAD); In silico analysis supports that this missense variant has a deleterious effect on protein structure/function; Has not been previously published as pathogenic or benign to our knowledge

NM_001394062.1(MACF1):c.21990G>C (p.Glu7330Asp)

Gene: MACF1 (microtubule actin crosslinking factor 1; plus strand). Cytogenetic location: 1p34.3.
Variant type: single nucleotide variant.
Coding change: c.21990G>C on transcript NM_001394062.1 (MANE Select); coding-DNA position 21990, G replaced by C.
Protein change: p.Glu7330Asp; replaces glutamic acid 7330 with aspartic acid.
Molecular consequence: missense variant.
Genome position (GRCh38, 1-based): chr1:39,479,829, G>C. VCF-style: chr1-39479829-G-C. GRCh37 (hg19) VCF-style: chr1-39945501-G-C.
Other names: c.9981G>C, p.Glu3327Asp (NM_001397473.1); c.15726G>C, p.Glu5242Asp (NM_012090.5); short protein forms E3327D, E5242D, E7330D.
Identifiers: ClinVar variation 3373464 (VCV003373464.1).